The following is an entry in ClinVar:

NM_003690.5(PRKRA):c.785A>G (p.Asp262Gly)

Genes: CHROMR (cholesterol induced regulator of metabolism RNA; plus strand), PRKRA (protein activator of interferon induced protein kinase EIF2AK2; minus strand). Cytogenetic location: 2q31.2.
Variant type: single nucleotide variant.
Coding change: c.785A>G on transcript NM_003690.5 (MANE Select); coding-DNA position 785, A replaced by G.
Protein change: p.Asp262Gly; replaces aspartic acid 262 with glycine.
Molecular consequence: missense variant.
Genome position (GRCh38, 1-based): chr2:178,432,254, T>C on the plus strand (A>G on the coding strand, the complement: PRKRA is on the minus strand). VCF-style: chr2-178432254-T-C. GRCh37 (hg19) VCF-style: chr2-179296981-T-C.
Other names: c.752A>G, p.Asp251Gly (NM_001139517.2); c.710A>G, p.Asp237Gly (NM_001139518.2); c.446A>G, p.Asp149Gly (NM_001316362.2); short protein forms D149G, D237G, D251G, D262G.
Identifiers: ClinVar variation 4716044 (VCV004716044.1).

ClinVar aggregate classification (germline): Uncertain significance (1 of 4 stars; one submission).

Conditions:
Dystonia 16 (DYT16). Also called: DYT-PRKRA. Identifiers: Orphanet 210571, MedGen C2677567, MONDO:0012789, OMIM 612067.

Submission:

Labcorp Genetics (formerly Invitae), Labcorp
Classification: Uncertain significance for Dystonia 16. Last evaluated: 2025-04-02. Review status: criteria provided, single submitter. Criteria: Invitae Variant Classification Sherloc (09022015). Collection method: clinical testing. Allele origin: germline.
Comment: This sequence change replaces aspartic acid, which is acidic and polar, with glycine, which is neutral and non-polar, at codon 262 of the PRKRA protein (p.Asp262Gly). This variant is not present in population databases (gnomAD no frequency). This variant has not been reported in the literature in individuals affected with PRKRA-related conditions. An algorithm developed to predict the effect of missense changes on protein structure and function (PolyPhen-2) suggests that this variant is likely to be tolerated. In summary, the available evidence is currently insufficient to determine the role of this variant in disease. Therefore, it has been classified as a Variant of Uncertain Significance.